The following is an entry in ClinVar:

NM_032043.3(BRIP1):c.363T>C (p.Thr121=)

Gene: BRIP1 (BRCA1 interacting DNA helicase 1; minus strand). Cytogenetic location: 17q23.2.
Variant type: single nucleotide variant.
Coding change: c.363T>C on transcript NM_032043.3 (MANE Select); coding-DNA position 363, T replaced by C.
Protein change: p.Thr121=; no amino-acid change (threonine 121 retained).
Molecular consequence: synonymous variant.
Genome position (GRCh38, 1-based): chr17:61,857,074, A>G on the plus strand (T>C on the coding strand, the complement: BRIP1 is on the minus strand). VCF-style: chr17-61857074-A-G. GRCh37 (hg19) VCF-style: chr17-59934435-A-G.
Identifiers: ClinVar variation 630663 (VCV000630663.13), dbSNP rs876660306, ClinGen allele CA501151207.

ClinVar aggregate classification (germline): Benign/Likely benign. Review status: criteria provided, multiple submitters, no conflicts (2 of 4 stars). 4 submissions from 4 submitters: Benign (1); Likely benign (3). Last evaluated 2024-08-21.

Conditions:
Hereditary cancer-predisposing syndrome. Also called: Hereditary Cancer Syndrome; Neoplastic Syndromes, Hereditary; Tumor predisposition; Hereditary neoplastic syndrome. Identifiers: Orphanet 140162, MedGen C0027672, MeSH D009386, MONDO:0015356.
Familial cancer of breast. Also called: BREAST CANCER, FAMILIAL; hereditary breast carcinoma; Hereditary breast cancer. Identifiers: Orphanet 227535, MedGen C0346153, MONDO:0016419, OMIM 114480. Disease mechanism: loss of function.
Fanconi anemia complementation group J. Also called: BRIP1-Related Fanconi Anemia. Identifiers: Orphanet 84, MedGen C1836860, MONDO:0012187, OMIM 609054.

gnomAD v4.1: 1 of 1,614,074 alleles (0.000062%); highest among the groups gnomAD compares: Non-Finnish European, 0.000085%; no homozygotes.

Submissions (4):

Myriad Genetics, Inc.
Classification: Benign for Familial cancer of breast. Last evaluated: 2024-08-21. Review status: criteria provided, single submitter. Criteria: Myriad Autosomal Dominant, Autosomal Recessive and X-Linked Classification Criteria (2023). Collection method: clinical testing. Allele origin: unknown.
Comment: This variant is considered benign. This variant is a silent/synonymous amino acid change and it is not expected to impact splicing.

Labcorp Genetics (formerly Invitae), Labcorp
Classification: Likely benign for Familial cancer of breast; Fanconi anemia complementation group J. Last evaluated: 2024-02-10. Review status: criteria provided, single submitter. Criteria: Invitae Variant Classification Sherloc (09022015). Collection method: clinical testing. Allele origin: germline.

Ambry Genetics
Classification: Likely benign for Hereditary cancer-predisposing syndrome. Last evaluated: 2022-11-20. Review status: criteria provided, single submitter. Criteria: Ambry Variant Classification Scheme 2023. Collection method: clinical testing. Allele origin: germline.

Color Diagnostics, LLC DBA Color Health
Classification: Likely benign for Hereditary cancer-predisposing syndrome. Last evaluated: 2017-10-02. Review status: criteria provided, single submitter. Criteria: ACMG Guidelines, 2015. Collection method: clinical testing. Allele origin: germline.